The following is an entry in ClinVar:

ClinVar aggregate classification (germline): Uncertain significance. Review status: criteria provided, multiple submitters, no conflicts (2 of 4 stars). 3 submissions from 3 submitters: Uncertain significance (3). Last evaluated 2025-11-26.

Conditions:
Catecholaminergic polymorphic ventricular tachycardia 1. Also called: RYR2-Related Catecholaminergic Polymorphic Ventricular Tachycardia; VENTRICULAR TACHYCARDIA, STRESS-INDUCED POLYMORPHIC 1; VENTRICULAR TACHYCARDIA, CATECHOLAMINERGIC POLYMORPHIC, 1, WITH OR WITHOUT ATRIAL DYSFUNCTION AND/OR DILATED CARDIOMYOPATHY. Identifiers: Orphanet 3286, MedGen C1631597, MONDO:0011484, OMIM 604772.
Cardiovascular phenotype. Identifiers: MedGen CN230736.

Allele frequency attached by ClinVar (database versions not stated): gnomAD exomes below 0.00001.
gnomAD v4.1: 1 of 1,419,170 alleles (0.00007%); highest among the groups gnomAD compares: Non-Finnish European, 0.000094%; no homozygotes.

Submissions (3):

Ambry Genetics
Classification: Uncertain significance for Cardiovascular phenotype. Last evaluated: 2025-11-26. Review status: criteria provided, single submitter. Criteria: Ambry Variant Classification Scheme 2023. Collection method: clinical testing. Allele origin: germline.
Comment: The c.1804+2T>C intronic variant results from a T to C substitution two nucleotides after coding exon 33 in the TRDN gene. Alterations that disrupt the canonical splice site are expected to result in aberrant splicing. In silico splice site analysis predicts that this alteration will weaken the native splice donor site. A resulting transcript is predicted to be in-frame and is not expected to trigger nonsense-mediated mRNA decay; although, direct evidence is unavailable. This nucleotide position is highly conserved in available vertebrate species. This alteration does not impact the predominant cardiac isoform of TRDN (NM_001256021.1; Kobayashi YM et al. J. Biol. Chem., 1999 Oct;274:28660-8). Based on the available evidence, the clinical significance of this variant remains unclear.

Molecular Diagnostic Laboratory for Inherited Cardiovascular Disease, Montreal Heart Institute
Classification: Uncertain significance for Cardiovascular phenotype. Last evaluated: 2025-04-09. Review status: criteria provided, single submitter. Criteria: ACMG Guidelines, 2015. Collection method: clinical testing. Allele origin: germline. Affected: yes.
Comment: PVS1_mod, PM2

Labcorp Genetics (formerly Invitae), Labcorp
Classification: Uncertain significance for Catecholaminergic polymorphic ventricular tachycardia 1. Last evaluated: 2022-02-08. Review status: criteria provided, single submitter. Criteria: Invitae Variant Classification Sherloc (09022015). Collection method: clinical testing. Allele origin: germline.
Comment: In summary, the available evidence is currently insufficient to determine the role of this variant in disease. Therefore, it has been classified as a Variant of Uncertain Significance. Algorithms developed to predict the effect of sequence changes on RNA splicing suggest that this variant may disrupt the consensus splice site. This variant has not been reported in the literature in individuals affected with TRDN-related conditions. This variant is not present in population databases (gnomAD no frequency). This sequence change affects a donor splice site in intron 33 of the TRDN gene. It is expected to disrupt RNA splicing. Variants that disrupt the donor or acceptor splice site typically lead to a loss of protein function (PMID: 16199547), however the current clinical and genetic evidence is not sufficient to establish whether loss-of-function variants in TRDN cause disease.

Literature cited by the submitters: PubMed 16199547 (cited by Labcorp Genetics (formerly Invitae), Labcorp).

NM_006073.4(TRDN):c.1804+2T>C

Gene: TRDN (triadin; minus strand). Cytogenetic location: 6q22.31.
Variant type: single nucleotide variant.
Coding change: c.1804+2T>C on transcript NM_006073.4 (MANE Select); the canonical splice donor site of the intron after coding-DNA position 1804, T replaced by C.
Molecular consequence: splice donor variant.
Genome position (GRCh38, 1-based): chr6:123,265,316, A>G on the plus strand (T>C on the coding strand, the complement: TRDN is on the minus strand). VCF-style: chr6-123265316-A-G. GRCh37 (hg19) VCF-style: chr6-123586461-A-G.
Other names: c.1804+2T>C (NM_006073.3, NM_006073.2).
Identifiers: ClinVar variation 1416777 (VCV001416777.9), dbSNP rs2114598453, ClinGen allele CA365563797.
Genomic context (GRCh38, chr6:123,265,316, plus strand): 5'-GAAATTGTGAAATTAAAACAATGAAATAGGACAATTTTAAAATTCTAAAATGGTACACTT[A>G]CTTGGAGTTGGTTTTGGTTTGTCTAAAAAGGAAAAAAGAAAAAAAAAGAAAATGAGTGAT-3'